The following is an entry in ClinVar:

ClinVar aggregate classification (germline): Uncertain significance (1 of 4 stars; one submission).

Conditions:
Wilson disease (WND). Also called: Wilson's disease. Identifiers: Orphanet 905, MedGen C0019202, MONDO:0010200, OMIM 277900. Disease mechanism: loss of function.

Submission:

Labcorp Genetics (formerly Invitae), Labcorp
Classification: Uncertain significance for Wilson disease. Last evaluated: 2021-04-10. Review status: criteria provided, single submitter. Criteria: Invitae Variant Classification Sherloc (09022015). Collection method: clinical testing. Allele origin: germline.
Comment: In summary, the available evidence is currently insufficient to determine the role of this variant in disease. Therefore, it has been classified as a Variant of Uncertain Significance. Advanced modeling of protein sequence and biophysical properties (such as structural, functional, and spatial information, amino acid conservation, physicochemical variation, residue mobility, and thermodynamic stability) performed at Invitae indicates that this missense variant is expected to disrupt ATP7B protein function. This variant is not present in population databases (ExAC no frequency). This sequence change replaces cysteine with tryptophan at codon 1079 of the ATP7B protein (p.Cys1079Trp). The cysteine residue is highly conserved and there is a large physicochemical difference between cysteine and tryptophan. This variant has not been reported in the literature in individuals with ATP7B-related conditions.

NM_000053.4(ATP7B):c.3237T>G (p.Cys1079Trp)

Gene: ATP7B (ATPase copper transporting beta; minus strand). Cytogenetic location: 13q14.3.
Variant type: single nucleotide variant.
Coding change: c.3237T>G on transcript NM_000053.4 (MANE Select); coding-DNA position 3237, T replaced by G.
Protein change: p.Cys1079Trp; replaces cysteine 1079 with tryptophan.
Molecular consequence: missense variant.
Genome position (GRCh38, 1-based): chr13:51,944,115, A>C on the plus strand (T>G on the coding strand, the complement: ATP7B is on the minus strand). VCF-style: chr13-51944115-A-C. GRCh37 (hg19) VCF-style: chr13-52518251-A-C.
Other names: c.2616T>G, p.Cys872Trp (NM_001005918.3); c.2904T>G, p.Cys968Trp (NM_001243182.2); c.3003T>G, p.Cys1001Trp (NM_001330578.2); c.2985T>G, p.Cys995Trp (NM_001330579.2); short protein forms C995W, C1079W, C1001W, C872W, C968W.
Identifiers: ClinVar variation 1442633 (VCV001442633.8), dbSNP rs1957506216, ClinGen allele CA388029771.